The following is an entry in ClinVar:

ClinVar aggregate classification (germline): Likely pathogenic. Review status: criteria provided, multiple submitters, no conflicts (2 of 4 stars). 2 submissions from 2 submitters: Likely pathogenic (2). Last evaluated 2025-11-01.

Conditions:
Autosomal recessive spinocerebellar ataxia 16. Identifiers: Orphanet 412057, MedGen C5190574, MONDO:0014339, OMIM 615768.
Spinocerebellar ataxia 48. Identifiers: Orphanet 631103, MedGen C4748158, MONDO:0032526, OMIM 618093.

Submissions (3):

Medical Molecular Genetics, National Research Centre
Classification: Likely pathogenic for Autosomal recessive spinocerebellar ataxia 16. Last evaluated: 2025-11-01. Review status: criteria provided, single submitter. Criteria: ACMG Guidelines, 2015. Collection method: research. Allele origin: inherited. Affected: yes.
Comment: It is extremely rare in population databases, with a very low allele frequency in gnomAD v4 exomes and no homozygotes reported. This nucleotide change results in the same amino acid substitution that has been previously reported as pathogenic in STUB1. The affected arginine residue is highly conserved and multiple in silico tools strongly support a deleterious effect on protein structure and function. Taken together, the evidence supports classification of this variant as Likely Pathogenic following ACMG criteria (PS1, PM2, PP3).

Molecular Medicine for Neurodegenerative and Neuromuscular Diseases Unit, IRCCS Fondazione Stella Maris
Classification: Likely pathogenic for Spinocerebellar ataxia 48. Last evaluated: 2021-07-12. Review status: criteria provided, single submitter. Criteria: ACMG Guidelines, 2015. Collection method: research. Allele origin: unknown. Affected: yes.

Dr. Peter K. Rogan Lab, Western University
No classification provided (evidence only). Condition: Ovarian serous cystadenocarcinoma. Review status: no classification provided. Collection method: in vitro. Allele origin: not applicable. Functional consequence: retained intron. Not counted in ClinVar's aggregate classification.

NM_005861.4(STUB1):c.721C>T (p.Arg241Trp)

Genes: JMJD8 (jumonji domain containing 8; minus strand), STUB1 (STIP1 homology and U-box containing protein 1; plus strand). Cytogenetic location: 16p13.3.
Variant type: single nucleotide variant.
Coding change: c.721C>T on transcript NM_005861.4 (MANE Select); coding-DNA position 721, C replaced by T.
Protein change: p.Arg241Trp; replaces arginine 241 with tryptophan.
Molecular consequence: missense variant. On other transcripts: 3 prime UTR variant (5), non-coding transcript variant (3).
Genome position (GRCh38, 1-based): chr16:682,216, C>T. VCF-style: chr16-682216-C-T. GRCh37 (hg19) VCF-style: chr16-732216-C-T.
Other names: NC_000016.9:g.732216C>T; c.505C>T, p.Arg169Trp (NM_001293197.2); c.*578G>A (NM_001005920.4, NM_001323919.3, NM_001323920.3); c.*612G>A (NM_001323918.3, NM_001323922.3); short protein forms R169W, R241W.
Identifiers: ClinVar variation 1027452 (VCV001027452.3), dbSNP rs760424025, ClinGen allele CA394113935.